The following is an entry in ClinVar:

NM_001182.5(ALDH7A1):c.532_542del (p.Leu178fs)

Gene: ALDH7A1 (aldehyde dehydrogenase 7 family member A1; minus strand). Cytogenetic location: 5q23.2.
Variant type: Deletion.
Coding change: c.532_542del on transcript NM_001182.5 (MANE Select); coding-DNA positions 532 to 542, 11 bases deleted (CTGATTGAGCA).
Protein change: p.Leu178fs; shifts the reading frame from leucine 178.
Molecular consequence: frameshift variant.
Genome position (GRCh38, 1-based): chr5:126,577,187-126,577,197, TGCTCAATCAG deleted on the plus strand (CTGATTGAGCA on the coding strand, the reverse complement: ALDH7A1 is on the minus strand); deleting any 11 consecutive bases within chr5:126,577,187-126,577,200 gives the same sequence; the c. name uses the placement nearest the transcript's 3' end. VCF-style (leftmost placement, unchanged base first): chr5-126577186-CTGCTCAATCAG-C. GRCh37 (hg19) VCF-style: chr5-125912878-CTGCTCAATCAG-C.
Other names: c.448_458del, p.Leu150fs (NM_001201377.2); c.532_542del, p.Leu178fs (NM_001202404.2); short protein forms L150fs, L178fs.
Identifiers: ClinVar variation 465331 (VCV000465331.7), dbSNP rs765119568, ClinGen allele CA3389732.

ClinVar aggregate classification (germline): Pathogenic (1 of 4 stars; one submission).

Conditions:
Pyridoxine-dependent epilepsy (EPEO4). Also called: Pyridoxine-Dependent Seizures; PYRIDOXINE DEPENDENCY WITH SEIZURES; EPILEPSY, EARLY-ONSET, 4, VITAMIN B6-DEPENDENT; Pyridoxine-Dependent Epilepsy - ALDH7A1. Identifiers: Orphanet 3006, MedGen C1849508, MONDO:0009945, OMIM 266100. Disease mechanism: loss of function.

Submission:

Labcorp Genetics (formerly Invitae), Labcorp
Classification: Pathogenic for Pyridoxine-dependent epilepsy. Last evaluated: 2023-11-28. Review status: criteria provided, single submitter. Criteria: Invitae Variant Classification Sherloc (09022015). Collection method: clinical testing. Allele origin: germline.
Comment: This sequence change creates a premature translational stop signal (p.Leu178Valfs*46) in the ALDH7A1 gene. It is expected to result in an absent or disrupted protein product. Loss-of-function variants in ALDH7A1 are known to be pathogenic (PMID: 16491085, 20554659). This variant is present in population databases (rs765119568, gnomAD 0.0009%). This variant has not been reported in the literature in individuals affected with ALDH7A1-related conditions. ClinVar contains an entry for this variant (Variation ID: 465331). For these reasons, this variant has been classified as Pathogenic.

Literature cited by the submitters: PubMed 16491085; PubMed 20554659.